The following is an entry in ClinVar:

ClinVar aggregate classification (germline): Uncertain significance. Review status: criteria provided, multiple submitters, no conflicts (2 of 4 stars). 2 submissions from 2 submitters: Uncertain significance (2). Last evaluated 2025-11-19.

Allele frequency attached by ClinVar (database versions not stated): gnomAD exomes 0.00002 and 0.00004; gnomAD 0.00004 and 0.00003; TOPMed 0.00007; ExAC 0.00002.
gnomAD v4.1: 36 of 1,614,020 alleles (0.0022%); highest among the groups gnomAD compares: Admixed American, 0.0083%; no homozygotes.

Submissions (2):

Ambry Genetics
Classification: Uncertain significance. Last evaluated: 2025-11-19. Review status: criteria provided, single submitter. Criteria: Ambry Variant Classification Scheme 2023. Collection method: clinical testing. Allele origin: germline.

Labcorp Genetics (formerly Invitae), Labcorp
Classification: Uncertain significance. Last evaluated: 2025-03-17. Review status: criteria provided, single submitter. Criteria: Invitae Variant Classification Sherloc (09022015). Collection method: clinical testing. Allele origin: germline.
Comment: This sequence change replaces arginine, which is basic and polar, with cysteine, which is neutral and slightly polar, at codon 572 of the DHX32 protein (p.Arg572Cys). This variant is present in population databases (rs767200461, gnomAD 0.008%). This variant has not been reported in the literature in individuals affected with DHX32-related conditions. ClinVar contains an entry for this variant (Variation ID: 1446182). An algorithm developed to predict the effect of missense changes on protein structure and function (PolyPhen-2) suggests that this variant is likely to be tolerated. In summary, the available evidence is currently insufficient to determine the role of this variant in disease. Therefore, it has been classified as a Variant of Uncertain Significance.

NM_018180.3(DHX32):c.1714C>T (p.Arg572Cys)

Genes: BCCIP (BRCA2 and CDKN1A interacting protein; plus strand), DHX32 (DEAH-box helicase 32 (putative); minus strand). Cytogenetic location: 10q26.2.
Variant type: single nucleotide variant.
Coding change: c.1714C>T on transcript NM_018180.3 (MANE Select); coding-DNA position 1714, C replaced by T.
Protein change: p.Arg572Cys; replaces arginine 572 with cysteine.
Molecular consequence: missense variant. On other transcripts: intron variant (2).
Genome position (GRCh38, 1-based): chr10:125,839,168, G>A on the plus strand (C>T on the coding strand, the complement: DHX32 is on the minus strand). VCF-style: chr10-125839168-G-A. GRCh37 (hg19) VCF-style: chr10-127527737-G-A.
Other names: c.775-2087G>A (NM_016567.4, NM_078469.3); short protein forms R572C.
Identifiers: ClinVar variation 1446182 (VCV001446182.7), dbSNP rs767200461, ClinGen allele CA5739070.
Genomic context (GRCh38, chr10:125,839,168, plus strand): 5'-AGAGTTCAGCTCGAATAACATCTGCCATTCTGAGTGCTGAACAGTTGAGGAAGTAATCAC[G>A]ACACCACTTTTCCACACAGTCTAGGAGGGAAAGAACACAAGGCTATTTAGAAATGATTTG-3'
Protein context (NP_060650.2, residues 562-582): SSEYCVEKWC[Arg572Cys]DYFLNCSALR